The following is an entry in ClinVar:

ClinVar aggregate classification (germline): Pathogenic (1 of 4 stars; one submission).

Conditions:
Intellectual disability, autosomal dominant 14 (CSS2). Also called: COFFIN-SIRIS SYNDROME 2. Identifiers: Orphanet 1465, MedGen C3553247, MONDO:0013819, OMIM 614607.

Submission:

Broad Center for Mendelian Genomics, Broad Institute of MIT and Harvard
Classification: Pathogenic for Intellectual disability, autosomal dominant 14. Last evaluated: 2023-01-25. Review status: criteria provided, single submitter. Criteria: ACMG Guidelines, 2015. Collection method: curation. Allele origin: germline. Inheritance: Autosomal dominant inheritance.
Comment: Trio exome analysis showed this variant to be de novo. The p.Gln1363Ter variant in ARID1A has not been previously reported in individuals with Coffin-Siris syndrome. This variant was absent from large population studies. This nonsense variant leads to a premature termination codon at position 1363, which is predicted to lead to a truncated or absent protein. Heterozygous loss of function of the ARID1A gene is an established disease mechanism in Coffin-Siris syndrome 2. In summary, this variant meets criteria to be classified as pathogenic for Coffin-Siris syndrome 2. ACMG/AMP Criteria applied: PVS1, PS2_Supporting, PM2_Supporting (Richards 2015).

NM_006015.6(ARID1A):c.4087C>T (p.Gln1363Ter)

Gene: ARID1A (AT-rich interaction domain 1A; plus strand). Cytogenetic location: 1p36.11.
Variant type: single nucleotide variant.
Coding change: c.4087C>T on transcript NM_006015.6 (MANE Select); coding-DNA position 4087, C replaced by T.
Protein change: p.Gln1363Ter; replaces glutamine 1363 with a stop codon.
Molecular consequence: nonsense.
Genome position (GRCh38, 1-based): chr1:26,773,884, C>T. VCF-style: chr1-26773884-C-T. GRCh37 (hg19) VCF-style: chr1-27100375-C-T.
Other names: NM_139135.4:c.4087C>T; c.4087C>T, p.Gln1363Ter (NM_139135.4); short protein forms Q1363*.
Identifiers: ClinVar variation 2412701 (VCV002412701.1), dbSNP rs2124115285, ClinGen allele CA339172445.